The following is an entry in ClinVar:

ClinVar aggregate classification (germline): Likely pathogenic (1 of 4 stars; one submission).

Submission:

GeneDx
Classification: Likely pathogenic. Last evaluated: 2025-03-18. Review status: criteria provided, single submitter. Criteria: GeneDx Variant Classification Process June 2021. Collection method: clinical testing. Allele origin: germline. Affected: yes.
Comment: Has not been previously published as pathogenic or benign to our knowledge; In silico analysis supports that this missense variant has a deleterious effect on protein structure/function; Not observed at significant frequency in large population cohorts (gnomAD)

NM_015021.3(ZNF292):c.2320C>G (p.His774Asp)

Gene: ZNF292 (zinc finger protein 292; plus strand). Cytogenetic location: 6q14.3.
Variant type: single nucleotide variant.
Coding change: c.2320C>G on transcript NM_015021.3 (MANE Select); coding-DNA position 2320, C replaced by G.
Protein change: p.His774Asp; replaces histidine 774 with aspartic acid.
Molecular consequence: missense variant.
Genome position (GRCh38, 1-based): chr6:87,255,949, C>G. VCF-style: chr6-87255949-C-G. GRCh37 (hg19) VCF-style: chr6-87965667-C-G.
Other names: c.1900C>G, p.His634Asp (NM_001351444.2); short protein forms H634D, H774D.
Identifiers: ClinVar variation 1316132 (VCV001316132.3), dbSNP rs2127859619, ClinGen allele CA364912633.